The following is an entry in ClinVar:

ClinVar aggregate classification (germline): Uncertain significance (1 of 4 stars; one submission).

Conditions:
Developmental and epileptic encephalopathy, 69. Also called: EPILEPTIC ENCEPHALOPATHY, EARLY INFANTILE, 69. Identifiers: MedGen C4748988, MONDO:0032657, OMIM 618285.

Submission:

Laboratorio de Genetica e Diagnostico Molecular, Hospital Israelita Albert Einstein
Classification: Uncertain significance for Developmental and epileptic encephalopathy, 69. Last evaluated: 2022-09-09. Review status: criteria provided, single submitter. Criteria: ACMG Guidelines, 2015. Collection method: clinical testing. Allele origin: germline. Affected: yes.
Comment: ACMG classification criteria: PM2 moderated, BP4 supporting

NM_001205293.3(CACNA1E):c.2288G>A (p.Ser763Asn)

Gene: CACNA1E (calcium voltage-gated channel subunit alpha1 E; plus strand). Cytogenetic location: 1q25.3.
Variant type: single nucleotide variant.
Coding change: c.2288G>A on transcript NM_001205293.3 (MANE Select); coding-DNA position 2288, G replaced by A.
Protein change: p.Ser763Asn; replaces serine 763 with asparagine.
Molecular consequence: missense variant. On other transcripts: intron variant (1).
Genome position (GRCh38, 1-based): chr1:181,731,222, G>A. VCF-style: chr1-181731222-G-A. GRCh37 (hg19) VCF-style: chr1-181700358-G-A.
Other names: c.2288G>A, p.Ser763Asn (NM_000721.4); c.2241-1162G>A (NM_001205294.2); short protein forms S763N.
Identifiers: ClinVar variation 2431684 (VCV002431684.2), dbSNP rs1655445135, ClinGen allele CA343630230.